The following is an entry in ClinVar:

ClinVar aggregate classification (germline): Pathogenic. Review status: reviewed by expert panel (3 of 4 stars). 6 submissions from 6 submitters: Pathogenic (1). 5 of the submissions do not count toward it. Last evaluated 2025-09-02.

Conditions:
Glycogen storage disease, type II (IOPD). Also called: CARDIOMEGALIA GLYCOGENICA DIFFUSA; GLYCOGENOSIS, GENERALIZED, CARDIAC FORM; GSD II; POMPE DISEASE, INFANTILE-ONSET; GLYCOGEN STORAGE DISEASE II, INFANTILE-ONSET; ACID ALPHA-GLUCOSIDASE DEFICIENCY, INFANTILE-ONSET. Identifiers: Orphanet 365, MedGen C0017921, MONDO:0009290, OMIM 232300.

Submissions (6):

ClinGen Lysosomal Storage Disorder Variant Curation Expert Panel
Classification: Pathogenic for Glycogen storage disease, type II. Last evaluated: 2025-09-02. Review status: reviewed by expert panel. Criteria: clingen_lsd_acmg_specifications_v2-1. Collection method: curation. Allele origin: germline. Inheritance: Autosomal recessive inheritance.
Comment: The NM_000152.5:c.1930_1936dup (p.Val646GlyfsTer93) variant in GAA is a frameshift variant predicted to cause a premature stop codon in biologically-relevant-exon 16 out of 20, leading to nonsense mediated decay in a gene in which loss-of-function is an established disease mechanism (PVS1). At least 2 probands with IOPD and documented GAA activity in the affected range in dried blood spot have been reported with this variant (Duke Molecular Diagnostic Laboratory; PMIDs: 19966354, 22252923, 31606152) (PP4_Moderate). Of those individuals, one was homozygous for the variant (PMID: 19966354). The other individual was compound heterozygous for the variant and c.2189+3G>C (ClinVar Variation ID: 1409309); phase unconfirmed (Duke Molecular Diagnostic Laboratory; PMIDs: 22252923, 31606152). The allelic data for this patient will be used to support the classification of c.2189+3G>C and is not included here in order to avoid circular logic. (PM3_Supporting). The highest population minor allele frequency in gnomAD v4.1.0. is 0.00006640 (6/90366 alleles) in the South Asian population, which is lower than the ClinGen Lysosomal Diseases VCEP’s threshold for PM2_Supporting (<0.001), meeting this criterion (PM2_Supporting). Of note, this variant has been described in the literature using historical nomenclature, including c.1929_1935dup (PMID: 19966354) and c.1936_1937insGCCGACG (PMIDs: 22252923, 31606152); for the purpose of this summary, current HGVS nomenclature was used. In summary, this variant meets the criteria to be classified as pathogenic for Pompe disease based on the ACMG/AMP criteria applied, as specified by the ClinGen Lysosomal Diseases Variant Curation Expert panel (specifications Version 2.0): PVS1, PM2_Supporting, PM3_Supporting, PP4_Moderate. (Classification approved by the ClinGen Lysosomal Diseases Variant Curation Expert Panel on September 2, 2025).

Genomenon, Inc
Classification: Pathogenic for Glycogen storage disease, type II. Last evaluated: 2026-07-01. Review status: criteria provided, single submitter. Criteria: Genomenon Sequence Variant Interpretation Standards - Updated. Collection method: curation. Allele origin: germline. Affected: yes. Not counted in ClinVar's aggregate classification.
Comment: GAA p.Val646GlyfsTer93 (c.1930_1936dup) is a frameshift variant that is predicted to introduce a premature termination codon and result in a truncated or absent protein product. This variant has been observed in at least one proband with a GAA-related disorder (PMID:31606152;19966354). It is absent or not present at a significant frequency in gnomAD. In conclusion, we classify GAA p.Val646GlyfsTer93 (c.1930_1936dup) as a pathogenic variant.

Fulgent Genetics
Classification: Pathogenic for Glycogen storage disease, type II. Last evaluated: 2024-05-08. Review status: criteria provided, single submitter. Criteria: ACMG Guidelines, 2015. Collection method: clinical testing. Allele origin: germline. Not counted in ClinVar's aggregate classification.

Baylor Genetics
Classification: Pathogenic for Glycogen storage disease, type II. Last evaluated: 2024-01-16. Review status: criteria provided, single submitter. Criteria: ACMG Guidelines, 2015. Collection method: clinical testing. Allele origin: unknown. Not counted in ClinVar's aggregate classification.

Labcorp Genetics (formerly Invitae), Labcorp
Classification: Pathogenic for Glycogen storage disease, type II. Last evaluated: 2022-04-11. Review status: criteria provided, single submitter. Criteria: Invitae Variant Classification Sherloc (09022015). Collection method: clinical testing. Allele origin: germline. Not counted in ClinVar's aggregate classification.
Comment: This variant is present in population databases (rs748829376, gnomAD 0.007%). This sequence change creates a premature translational stop signal (p.Val646Glyfs*93) in the GAA gene. It is expected to result in an absent or disrupted protein product. Loss-of-function variants in GAA are known to be pathogenic (PMID: 18425781, 22252923). This premature translational stop signal has been observed in individual(s) with Pompe disease (PMID: 19966354). For these reasons, this variant has been classified as Pathogenic. This variant is also known as c.1929_1935dup.

Arcensus
Classification: Likely pathogenic for Glycogen storage disease, type II. Last evaluated: 2013-02-01. Review status: criteria provided, single submitter. Criteria: ACMG Guidelines, 2015. Collection method: clinical testing. Allele origin: germline. Affected: yes. Not counted in ClinVar's aggregate classification.

Literature cited by the submitters: PubMed 31606152 (cited by Genomenon, Inc); PubMed 19966354 (cited by Genomenon, Inc and Labcorp Genetics (formerly Invitae), Labcorp); PubMed 18425781 (cited by Labcorp Genetics (formerly Invitae), Labcorp); PubMed 22252923 (cited by Labcorp Genetics (formerly Invitae), Labcorp).

NM_000152.5(GAA):c.1930_1936dup (p.Val646fs)

Gene: GAA (alpha glucosidase; plus strand). Cytogenetic location: 17q25.3.
Variant type: Duplication.
Coding change: c.1930_1936dup on transcript NM_000152.5 (MANE Select); coding-DNA positions 1930 to 1936, 7 bases duplicated (GCCGACG; older notation c.1930_1936dupGCCGACG).
Protein change: p.Val646fs; shifts the reading frame from valine 646.
Molecular consequence: frameshift variant.
Genome position (GRCh38, 1-based): chr17:80,112,917-80,112,923, GCCGACG duplicated; duplicating any 7 consecutive bases within chr17:80,112,916-80,112,923 gives the same sequence; the c. name uses the placement nearest the transcript's 3' end. VCF-style (leftmost placement, unchanged base first): chr17-80112915-G-GGGCCGAC. GRCh37 (hg19) VCF-style: chr17-78086714-G-GGGCCGAC.
Other names: NM_000152.5(GAA):c.1930_1936dup; p.Val646fs; c.1930_1936dup, p.Val646fs (NM_001079803.3, NM_001079804.3); short protein forms V646fs.
Identifiers: ClinVar variation 1411575 (VCV001411575.27), dbSNP rs748829376, ClinGen allele CA8815547.
Genomic context (GRCh38, chr17:80,112,915, plus strand): 5'-AGCCTGACTCTGCCCTCCCAGAAATCCTGCAGTTTAACCTGCTGGGGGTGCCTCTGGTCG[G>GGGCCGAC]GGCCGACGTCTGCGGCTTCCTGGGCAACACCTCAGAGGAGCTGTGTGTGCGCTGGACCCA-3'